The following is an entry in ClinVar:

ClinVar aggregate classification (germline): Uncertain significance. Review status: criteria provided, multiple submitters, no conflicts (2 of 4 stars). 2 submissions from 2 submitters: Uncertain significance (2). Last evaluated 2026-04-14.

Conditions:
Cardiovascular phenotype. Identifiers: MedGen CN230736.
Alagille syndrome due to a JAG1 point mutation. Also called: HEPATIC DUCTULAR HYPOPLASIA, SYNDROMATIC; Alagille Syndrome 1; JAG1-Related Alagille Syndrome. Identifiers: Orphanet 261619, Orphanet 52, MedGen C1956125, MONDO:0016862, OMIM 118450.

Allele frequency attached by ClinVar (database versions not stated): gnomAD exomes below 0.00001; TOPMed below 0.00001.
gnomAD v4.1: 1 of 1,614,128 alleles (0.000062%); highest among the groups gnomAD compares: Non-Finnish European, 0.000085%; no homozygotes.

Submissions (2):

Ambry Genetics
Classification: Uncertain significance for Cardiovascular phenotype. Last evaluated: 2026-04-14. Review status: criteria provided, single submitter. Criteria: Ambry Variant Classification Scheme 2023. Collection method: clinical testing. Allele origin: germline.
Comment: The p.N1010S variant (also known as c.3029A>G), located in coding exon 24 of the JAG1 gene, results from an A to G substitution at nucleotide position 3029. The asparagine at codon 1010 is replaced by serine, an amino acid with highly similar properties. This amino acid position is conserved. In addition, this alteration is predicted to be tolerated by in silico analysis. Based on the available evidence, the clinical significance of this variant remains unclear.

Labcorp Genetics (formerly Invitae), Labcorp
Classification: Uncertain significance for Alagille syndrome due to a JAG1 point mutation. Last evaluated: 2022-07-19. Review status: criteria provided, single submitter. Criteria: Invitae Variant Classification Sherloc (09022015). Collection method: clinical testing. Allele origin: germline.
Comment: In summary, the available evidence is currently insufficient to determine the role of this variant in disease. Therefore, it has been classified as a Variant of Uncertain Significance. Algorithms developed to predict the effect of sequence changes on RNA splicing suggest that this variant may create or strengthen a splice site. Advanced modeling of protein sequence and biophysical properties (such as structural, functional, and spatial information, amino acid conservation, physicochemical variation, residue mobility, and thermodynamic stability) performed at Invitae indicates that this missense variant is not expected to disrupt JAG1 protein function. ClinVar contains an entry for this variant (Variation ID: 1479503). This variant has not been reported in the literature in individuals affected with JAG1-related conditions. This variant is not present in population databases (gnomAD no frequency). This sequence change replaces asparagine, which is neutral and polar, with serine, which is neutral and polar, at codon 1010 of the JAG1 protein (p.Asn1010Ser).

NM_000214.3(JAG1):c.3029A>G (p.Asn1010Ser)

Gene: JAG1 (jagged canonical Notch ligand 1; minus strand). Cytogenetic location: 20p12.2.
Variant type: single nucleotide variant.
Coding change: c.3029A>G on transcript NM_000214.3 (MANE Select); coding-DNA position 3029, A replaced by G.
Protein change: p.Asn1010Ser; replaces asparagine 1010 with serine.
Molecular consequence: missense variant.
Genome position (GRCh38, 1-based): chr20:10,641,132, T>C on the plus strand (A>G on the coding strand, the complement: JAG1 is on the minus strand). VCF-style: chr20-10641132-T-C. GRCh37 (hg19) VCF-style: chr20-10621780-T-C.
Other names: c.3029A>G (NM_000214.2); short protein forms N1010S.
Identifiers: ClinVar variation 1479503 (VCV001479503.9), dbSNP rs2067267863, ClinGen allele CA408244429.